The following is an entry in ClinVar:

ClinVar aggregate classification (germline): Benign (1 of 4 stars; one submission).

Conditions:
Cataract 4 multiple types. Also called: CATARACT 4, MULTIPLE TYPES, WITH OR WITHOUT MICROCORNEA; CATARACT 4 WITH MICROCORNEA; CATARACT 4, PUNCTATE; CATARACT 4, CRYSTALLINE; CATARACT 4, CENTRAL NUCLEAR; CATARACT 4, NONNUCLEAR POLYMORPHIC CONGENITAL. Identifiers: Orphanet 1377, MedGen C3540850, MONDO:0007281, OMIM 115700.

Allele frequency attached by ClinVar (database versions not stated): gnomAD 0.00051; ExAC 0.00059; TOPMed 0.00085.
gnomAD v4.1: 1,523 of 1,541,478 alleles (0.099%); highest among the groups gnomAD compares: Non-Finnish European, 0.12%; 3 homozygotes.

Submission:

Illumina Laboratory Services, Illumina
Classification: Benign for Cataract 4 multiple types. Last evaluated: 2018-01-13. Review status: criteria provided, single submitter. Criteria: ICSL Variant Classification Criteria 13 December 2019. Collection method: clinical testing. Allele origin: germline.
Comment: This variant was observed in the ICSL laboratory as part of a predisposition screen in an ostensibly healthy population. It had not been previously curated by ICSL or reported in the Human Gene Mutation Database (HGMD: prior to June 1st, 2018), and was therefore a candidate for classification through an automated scoring system. Utilizing variant allele frequency, disease prevalence and penetrance estimates, and inheritance mode, an automated score was calculated to assess if this variant is too frequent to cause the disease. Based on the score and internal cut-off values, a variant classified as benign is not then subjected to further curation. The score for this variant resulted in a classification of benign for this disease.

NM_006891.4(CRYGD):c.-39C>T

Genes: CRYGD (crystallin gamma D; minus strand), LOC100507443 (uncharacterized LOC100507443; plus strand). Cytogenetic location: 2q33.3.
Variant type: single nucleotide variant.
Coding change: c.-39C>T on transcript NM_006891.4 (MANE Select); 39 bases upstream of the start codon, C replaced by T.
Molecular consequence: 5 prime UTR variant.
Genome position (GRCh38, 1-based): chr2:208,124,512, G>A on the plus strand (C>T on the coding strand, the complement: CRYGD is on the minus strand). VCF-style: chr2-208124512-G-A. GRCh37 (hg19) VCF-style: chr2-208989236-G-A.
Identifiers: ClinVar variation 333877 (VCV000333877.5), dbSNP rs765407471, ClinGen allele CA2077803.
Genomic context (GRCh38, chr2:208,124,512, plus strand): 5'-AGGCTGGGCTCACCTTCCCCATGGCTGGCTGGGCGCACGGCGGTGCTGAGCTGGTGGGGC[G>A]GCGGCGCTGAGCGGGTGGGGCTGCGGCGCGGCGGGCTATATAGCAGGAGGGCTGCTGCGT-3'